The following is an entry in ClinVar:

NM_024548.4(CEP97):c.1292A>G (p.Glu431Gly)

Gene: CEP97 (centrosomal protein 97; plus strand). Cytogenetic location: 3q12.3.
Variant type: single nucleotide variant.
Coding change: c.1292A>G on transcript NM_024548.4 (MANE Select); coding-DNA position 1292, A replaced by G.
Protein change: p.Glu431Gly; replaces glutamic acid 431 with glycine.
Molecular consequence: missense variant.
Genome position (GRCh38, 1-based): chr3:101,757,898, A>G. VCF-style: chr3-101757898-A-G. GRCh37 (hg19) VCF-style: chr3-101476742-A-G.
Other names: c.1115A>G, p.Glu372Gly (NM_001303401.2); c.1190A>G, p.Glu397Gly (NM_001410784.1); c.1013A>G, p.Glu338Gly (NM_001410785.1); short protein forms E338G, E372G, E397G, E431G.
Identifiers: ClinVar variation 3668623 (VCV003668623.2).

ClinVar aggregate classification (germline): Uncertain significance (1 of 4 stars; one submission).

Submission:

Labcorp Genetics (formerly Invitae), Labcorp
Classification: Uncertain significance. Last evaluated: 2024-02-27. Review status: criteria provided, single submitter. Criteria: Invitae Variant Classification Sherloc (09022015). Collection method: clinical testing. Allele origin: germline.
Comment: This sequence change replaces glutamic acid, which is acidic and polar, with glycine, which is neutral and non-polar, at codon 431 of the CEP97 protein (p.Glu431Gly). This variant is not present in population databases (gnomAD no frequency). This variant has not been reported in the literature in individuals affected with CEP97-related conditions. Advanced modeling of protein sequence and biophysical properties (such as structural, functional, and spatial information, amino acid conservation, physicochemical variation, residue mobility, and thermodynamic stability) performed at Invitae indicates that this missense variant is not expected to disrupt CEP97 protein function with a negative predictive value of 80%. In summary, the available evidence is currently insufficient to determine the role of this variant in disease. Therefore, it has been classified as a Variant of Uncertain Significance.